The following is an entry in ClinVar:

NM_000053.4(ATP7B):c.3452G>A (p.Arg1151His)

Gene: ATP7B (ATPase copper transporting beta; minus strand). Cytogenetic location: 13q14.3.
Variant type: single nucleotide variant.
Coding change: c.3452G>A on transcript NM_000053.4 (MANE Select); coding-DNA position 3452, G replaced by A.
Protein change: p.Arg1151His; replaces arginine 1151 with histidine.
Molecular consequence: missense variant.
Genome position (GRCh38, 1-based): chr13:51,941,185, C>T on the plus strand (G>A on the coding strand, the complement: ATP7B is on the minus strand). VCF-style: chr13-51941185-C-T. GRCh37 (hg19) VCF-style: chr13-52515321-C-T.
Other names: c.2831G>A, p.Arg944His (NM_001005918.3); c.3119G>A, p.Arg1040His (NM_001243182.2); c.3218G>A, p.Arg1073His (NM_001330578.2); c.3200G>A, p.Arg1067His (NM_001330579.2); short protein forms R1151H, R944H, R1040H, R1073H, R1067H.
Identifiers: ClinVar variation 495415 (VCV000495415.17), dbSNP rs377297166, ClinGen allele CA6988682.

ClinVar aggregate classification (germline): Conflicting classifications of pathogenicity. Review status: criteria provided, conflicting classifications (1 of 4 stars). 10 submissions from 10 submitters: Likely pathogenic (5); Uncertain significance (3). 2 of the submissions do not count toward it. Last evaluated 2025-08-21.

Conditions:
Wilson disease (WND). Also called: Wilson's disease. Identifiers: Orphanet 905, MedGen C0019202, MONDO:0010200, OMIM 277900. Disease mechanism: loss of function.

Allele frequency attached by ClinVar (database versions not stated): ExAC 0.00002; TOPMed 0.00002; ESP Exome Variant Server 0.00008.
gnomAD v4.1: 7 of 1,614,100 alleles (0.00043%); highest among the groups gnomAD compares: South Asian, 0.0022%; no homozygotes.

Submissions (10):

Myriad Genetics, Inc.
Classification: Likely pathogenic for Wilson disease. Last evaluated: 2025-08-21. Review status: criteria provided, single submitter. Criteria: Myriad Autosomal Dominant, Autosomal Recessive and X-Linked Classification Criteria (2023). Collection method: clinical testing. Allele origin: unknown.
Comment: NM_000053.3(ATP7B):c.3452G>A(R1151H) is a missense variant classified as likely pathogenic in the context of Wilson disease. R1151H has been observed in cases with relevant disease (PMID: 27398169, 10544227, 32643122, 34002136, 34470610, 35222532, 36253962). Relevant functional assessments of this variant are available in the literature (PMID: 15205462). R1151H has been observed in referenced population frequency databases. In summary, NM_000053.3(ATP7B):c.3452G>A(R1151H) is a missense variant that has been observed more frequently in cases with the relevant disease than in healthy populations. Please note: this variant was assessed in the context of healthy population screening.

Labcorp Genetics (formerly Invitae), Labcorp
Classification: Likely pathogenic for Wilson disease. Last evaluated: 2025-06-15. Review status: criteria provided, single submitter. Criteria: Invitae Variant Classification Sherloc (09022015). Collection method: clinical testing. Allele origin: germline.
Comment: This sequence change replaces arginine, which is basic and polar, with histidine, which is basic and polar, at codon 1151 of the ATP7B protein (p.Arg1151His). This variant is present in population databases (rs377297166, gnomAD 0.007%). This missense change has been observed in individuals with Wilson disease (PMID: 10544227, 30655162, 35220961, 35222532). ClinVar contains an entry for this variant (Variation ID: 495415). Invitae Evidence Modeling of protein sequence and biophysical properties (such as structural, functional, and spatial information, amino acid conservation, physicochemical variation, residue mobility, and thermodynamic stability) indicates that this missense variant is expected to disrupt ATP7B protein function with a positive predictive value of 80%. Experimental studies have shown that this missense change affects ATP7B function (PMID: 15205462). This variant disrupts the p.Arg1151 amino acid residue in ATP7B. Other variant(s) that disrupt this residue have been determined to be pathogenic (PMID: 17949296, 21645214, 23333878, 27398169). This suggests that this residue is clinically significant, and that variants that disrupt this residue are likely to be disease-causing. In summary, the currently available evidence indicates that the variant is pathogenic, but additional data are needed to prove that conclusively. Therefore, this variant has been classified as Likely Pathogenic.

Fulgent Genetics
Classification: Likely pathogenic for Wilson disease. Last evaluated: 2024-06-04. Review status: criteria provided, single submitter. Criteria: ACMG Guidelines, 2015. Collection method: clinical testing. Allele origin: germline.

Baylor Genetics
Classification: Likely pathogenic for Wilson disease. Last evaluated: 2023-08-13. Review status: criteria provided, single submitter. Criteria: ACMG Guidelines, 2015. Collection method: clinical testing. Allele origin: unknown.

All of Us Research Program, National Institutes of Health
Classification: Uncertain significance for Wilson disease. Last evaluated: 2023-05-16. Review status: criteria provided, single submitter. Criteria: ACMG Guidelines, 2015. Collection method: clinical testing. Allele origin: germline. Inheritance: Autosomal recessive inheritance. Observed: 1 variant allele, 1 heterozygote.
Comment: This missense variant, c.3452G>A, replaces arginine with histidine at codon 1151 of the ATP7B protein. Computational prediction suggests that this variant may have deleterious impact on protein structure and function (internally defined REVEL score threshold >= 0.7, PMID: 27666373). Functional studies showed that this variant has a 1.3 fold reduced affinity to ATP compared with wild-type (PMID: 15205462). This variant has been reported in many individuals affected with autosomal recessive Wilson disease (PMID: 10544227, 21219664, 27022412, 27398169, 27982432). In one affected individual, this variant was observed in the compound heterozygous state with a second pathogenic variant (PMID: 10544227), indicating that this variant contributes to disease. Additionally, in three affected individuals, a second co-occurring pathogenic ATP7B variant was detected, however, it is unknown whether these variants are in cis or trans (PMID: 27398169, 35222532, 36253962). This variant has been identified in 3/249588 chromosomes in the general population by the Genome Aggregation Database (gnomAD). Although there is a suspicion for a pathogenic role, the available evidence is insufficient to determine the role of this variant in disease conclusively. Therefore, this variant is classified as a Variant of Uncertain Significance.

This study involves interpretation of variants in research participants for the purpose of population health screening. Participant phenotype was not available at the time of variant classification. Additional details can be found in publication PMID: 35346344, PMCID: PMC8962531

Color Diagnostics, LLC DBA Color Health
Classification: Uncertain significance for Wilson disease. Last evaluated: 2023-05-04. Review status: criteria provided, single submitter. Criteria: ACMG Guidelines, 2015. Collection method: clinical testing. Allele origin: germline.
Comment: This missense variant, c.3452G>A, replaces arginine with histidine at codon 1151 of the ATP7B protein. Computational prediction suggests that this variant may have deleterious impact on protein structure and function. Functional studies showed that this variant has a 1.3 fold reduced affinity to ATP compared with wild-type (PMID: 15205462). This variant has been reported in many individuals affected with autosomal recessive Wilson disease (PMID: 10544227, 21219664, 27022412, 27398169, 27982432). In one affected individual, this variant was observed in the compound heterozygous state with a second pathogenic variant (PMID: 10544227), indicating that this variant contributes to disease. Additionally, in three affected individuals, a second co-occurring pathogenic ATP7B variant was detected, however, it is unknown whether these variants are in cis or trans (PMID: 27398169, 35222532, 36253962). This variant has been identified in 3/249588 chromosomes in the general population by the Genome Aggregation Database (gnomAD). Although there is a suspicion for a pathogenic role, the available evidence is insufficient to determine the role of this variant in disease conclusively. Therefore, this variant is classified as a Variant of Uncertain Significance.

Women's Health and Genetics/Laboratory Corporation of America, LabCorp
Classification: Uncertain significance. Last evaluated: 2016-08-30. Review status: criteria provided, single submitter. Criteria: LabCorp Variant Classification Summary - May 2015. Collection method: clinical testing. Allele origin: germline.
Comment: Variant summary: The ATP7B c.3452G>A (p.Arg1151His) variant involves the alteration of a conserved nucleotide and this variant is located in the P-type ATPase and/or cytoplasmic domain N which is critical for ATP binding. 5/5 in silico tools predict a damaging outcome for this variant. This variant was found in 2/120874 control chromosomes at a frequency of 0.0000165, which does not exceed the estimated maximal expected allele frequency of a pathogenic ATP7B variant (0.0054006). This variant has been reported in at least 3 WD patients (Loudianos_1999, Li_2011, Dong_2016), one was mentioned to be compound heterozygotes of this variant and Gly1089Glu. One in vitro study showed that this variant mildly affects the structure and ATP-binding activity of ATP7B protein using N-domain fragment (Morgan_2004). In addition, one reputable database classified this variant as disease variant. Taken together, this variant is classified as VUS-possibly pathogenic.

Juno Genomics, Hangzhou Juno Genomics, Inc
Classification: Likely pathogenic for Wilson disease. Review status: criteria provided, single submitter. Criteria: ACMG Guidelines, 2015. Collection method: clinical testing. Allele origin: germline.
Comment: Absent from controls (or at extremely low frequency if recessive) in Genome Aggregation Database.;Novel missense change at an amino acid residue where a different missense change determined to be pathogenic has been seen before.;Multiple lines of computational evidence support a deleterious effect on the gene or gene product.;For recessive disorders, detected in trans with a pathogenic variant.;Patient's phenotype or family history is highly specific for a disease with a single genetic etiology.

Natera, Inc.
Classification: Uncertain significance for Wilson disease. Last evaluated: 2020-09-16. Review status: no assertion criteria provided. Collection method: clinical testing. Allele origin: germline. Not counted in ClinVar's aggregate classification.

Counsyl
Classification: Likely pathogenic for Wilson disease. Last evaluated: 2017-10-09. Review status: no assertion criteria provided. Collection method: clinical testing. Allele origin: unknown. Not counted in ClinVar's aggregate classification.

Literature cited by the submitters: PubMed 10544227 (cited by 6 submitters); PubMed 15205462 (cited by 6 submitters); PubMed 27398169 (cited by 5 submitters); PubMed 32643122 (cited by Myriad Genetics, Inc.); PubMed 34002136 (cited by Myriad Genetics, Inc.); PubMed 34470610 (cited by Myriad Genetics, Inc.); PubMed 35222532 (cited by 4 submitters); PubMed 36253962 (cited by 3 submitters); PubMed 30655162 (cited by Labcorp Genetics (formerly Invitae), Labcorp); PubMed 35220961 (cited by Labcorp Genetics (formerly Invitae), Labcorp); PubMed 17949296 (cited by Labcorp Genetics (formerly Invitae), Labcorp); PubMed 21645214 (cited by Labcorp Genetics (formerly Invitae), Labcorp); PubMed 23333878 (cited by Labcorp Genetics (formerly Invitae), Labcorp); PubMed 21219664 (cited by 4 submitters); PubMed 27022412 (cited by 4 submitters); PubMed 27982432 (cited by 3 submitters); PubMed 18203200 (cited by Women's Health and Genetics/Laboratory Corporation of America, LabCorp); PubMed 24253677 (cited by Women's Health and Genetics/Laboratory Corporation of America, LabCorp); PubMed 22308153 (cited by Women's Health and Genetics/Laboratory Corporation of America, LabCorp); PubMed 16233999 (cited by Women's Health and Genetics/Laboratory Corporation of America, LabCorp); PubMed 16495228 (cited by Women's Health and Genetics/Laboratory Corporation of America, LabCorp); PubMed 17680703 (cited by Women's Health and Genetics/Laboratory Corporation of America, LabCorp).